The following is an entry in ClinVar:

NM_005732.4(RAD50):c.94A>T (p.Thr32Ser)

Gene: RAD50 (RAD50 double strand break repair protein; plus strand). Cytogenetic location: 5q31.1.
Variant type: single nucleotide variant.
Coding change: c.94A>T on transcript NM_005732.4 (MANE Select); coding-DNA position 94, A replaced by T.
Protein change: p.Thr32Ser; replaces threonine 32 with serine.
Molecular consequence: missense variant.
Genome position (GRCh38, 1-based): chr5:132,557,418, A>T. VCF-style: chr5-132557418-A-T. GRCh37 (hg19) VCF-style: chr5-131893110-A-T.
Other names: short protein forms T32S.
Identifiers: ClinVar variation 457493 (VCV000457493.13), dbSNP rs1554096651, ClinGen allele CA360951581.
Genomic context (GRCh38, chr5:132,557,418, plus strand): 5'-GTGCGGAGTTTTGGAATAGAGGACAAAGATAAGCAAATTATCACTTTCTTCAGCCCCCTT[A>T]CAATTTTGGTTGGACCCAATGGGGCGGGAAAGACGGTAAGTCTTCAGTAGCCGCCTTCAG-3'
Protein context (NP_005723.2, residues 22-42): KQIITFFSPL[Thr32Ser]ILVGPNGAGK

ClinVar aggregate classification (germline): Uncertain significance. Review status: criteria provided, multiple submitters, no conflicts (2 of 4 stars). 2 submissions from 2 submitters: Uncertain significance (2). Last evaluated 2023-10-04.

Conditions:
Hereditary cancer-predisposing syndrome. Also called: Neoplastic Syndromes, Hereditary; Tumor predisposition; Hereditary Cancer Syndrome; Hereditary neoplastic syndrome. Identifiers: Orphanet 140162, MedGen C0027672, MeSH D009386, MONDO:0015356.

Allele frequency attached by ClinVar (database versions not stated): gnomAD exomes below 0.00001.
gnomAD v4.1: 2 of 1,614,152 alleles (0.00012%); highest among the groups gnomAD compares: African/African-American, 0.0013%; no homozygotes.

Submissions (2):

Labcorp Genetics (formerly Invitae), Labcorp
Classification: Uncertain significance for Hereditary cancer-predisposing syndrome. Last evaluated: 2023-10-04. Review status: criteria provided, single submitter. Criteria: Invitae Variant Classification Sherloc (09022015). Collection method: clinical testing. Allele origin: germline.
Comment: This sequence change replaces threonine, which is neutral and polar, with serine, which is neutral and polar, at codon 32 of the RAD50 protein (p.Thr32Ser). This variant is not present in population databases (gnomAD no frequency). This variant has not been reported in the literature in individuals affected with RAD50-related conditions. ClinVar contains an entry for this variant (Variation ID: 457493). Advanced modeling of protein sequence and biophysical properties (such as structural, functional, and spatial information, amino acid conservation, physicochemical variation, residue mobility, and thermodynamic stability) performed at Invitae indicates that this missense variant is expected to disrupt RAD50 protein function. In summary, the available evidence is currently insufficient to determine the role of this variant in disease. Therefore, it has been classified as a Variant of Uncertain Significance.

Ambry Genetics
Classification: Uncertain significance for Hereditary cancer-predisposing syndrome. Last evaluated: 2023-06-09. Review status: criteria provided, single submitter. Criteria: Ambry Variant Classification Scheme 2023. Collection method: clinical testing. Allele origin: germline.
Comment: The p.T32S variant (also known as c.94A>T), located in coding exon 1 of the RAD50 gene, results from an A to T substitution at nucleotide position 94. The threonine at codon 32 is replaced by serine, an amino acid with similar properties. This amino acid position is highly conserved in available vertebrate species. In addition, the in silico prediction for this alteration is inconclusive. Since supporting evidence is limited at this time, the clinical significance of this alteration remains unclear.